The following is an entry in ClinVar:

NM_015158.5(KANK1):c.470C>T (p.Thr157Ile)

Gene: KANK1 (KN motif and ankyrin repeat domains 1; plus strand). Cytogenetic location: 9p24.3.
Variant type: single nucleotide variant.
Coding change: c.470C>T on transcript NM_015158.5 (MANE Select); coding-DNA position 470, C replaced by T.
Protein change: p.Thr157Ile; replaces threonine 157 with isoleucine.
Molecular consequence: missense variant. On other transcripts: 5 prime UTR variant (12), non-coding transcript variant (1).
Genome position (GRCh38, 1-based): chr9:711,236, C>T. VCF-style: chr9-711236-C-T. GRCh37 (hg19) VCF-style: chr9-711236-C-T.
Other names: c.470C>T (NM_015158.3); c.470C>T, p.Thr157Ile (NM_001256876.3, NM_001256877.3, NM_001354331.2 and 2 more transcripts); c.-5C>T (NM_001354333.2, NM_001354335.2, NM_001354336.2 and 9 more transcripts); short protein forms T157I.
Identifiers: ClinVar variation 3287304 (VCV003287304.2).

ClinVar aggregate classification (germline): Uncertain significance. Review status: criteria provided, single submitter (1 of 4 stars). 2 submissions from 2 submitters: Uncertain significance (1). 1 of the submissions does not count toward it. Last evaluated 2024-04-09.

Conditions:
KANK1-related disorder. Also called: KANK1-related condition.

Submissions (2):

Ambry Genetics
Classification: Uncertain significance. Last evaluated: 2024-04-09. Review status: criteria provided, single submitter. Criteria: Ambry Variant Classification Scheme 2023. Collection method: clinical testing. Allele origin: germline.

PreventionGenetics, part of Exact Sciences
Classification: Uncertain significance for KANK1-related condition. Last evaluated: 2024-04-23. Review status: no assertion criteria provided. Collection method: clinical testing. Allele origin: germline. Not counted in ClinVar's aggregate classification.
Comment: The KANK1 c.470C>T variant is predicted to result in the amino acid substitution p.Thr157Ile. To our knowledge, this variant has not been reported in the literature. This variant is reported in 0.013% of alleles in individuals of South Asian descent in gnomAD. At this time, the clinical significance of this variant is uncertain due to the absence of conclusive functional and genetic evidence.